The following is an entry in ClinVar:

ClinVar aggregate classification (germline): Uncertain significance (1 of 4 stars; one submission).

Submission:

Labcorp Genetics (formerly Invitae), Labcorp
Classification: Uncertain significance. Last evaluated: 2025-08-11. Review status: criteria provided, single submitter. Criteria: Invitae Variant Classification Sherloc (09022015). Collection method: clinical testing. Allele origin: germline.
Comment: This variant, c.347_349del, results in the deletion of 1 amino acid(s) of the SLC19A1 protein (p.Val116del), but otherwise preserves the integrity of the reading frame. This variant is not present in population databases (gnomAD no frequency). This variant has not been reported in the literature in individuals affected with SLC19A1-related conditions. ClinVar contains an entry for this variant (Variation ID: 3663445). Experimental studies and prediction algorithms are not available or were not evaluated, and the functional significance of this variant is currently unknown. In summary, the available evidence is currently insufficient to determine the role of this variant in disease. Therefore, it has been classified as a Variant of Uncertain Significance.

NM_194255.4(SLC19A1):c.347_349del (p.Val116del)

Gene: SLC19A1 (solute carrier family 19 member 1; minus strand). Cytogenetic location: 21q22.3.
Variant type: Deletion.
Coding change: c.347_349del on transcript NM_194255.4 (MANE Select); coding-DNA positions 347 to 349, 3 bases deleted (TGG; older notation c.347_349delTGG).
Protein change: p.Val116del; deletes valine 116.
Molecular consequence: 5 prime UTR variant (on NM_001352510.2).
Genome position (GRCh38, 1-based): chr21:45,531,989-45,531,991, CCA deleted on the plus strand (TGG on the coding strand, the reverse complement: SLC19A1 is on the minus strand); deleting any 3 consecutive bases within chr21:45,531,989-45,531,993 gives the same sequence; the c. name uses the placement nearest the transcript's 3' end. VCF-style (leftmost placement, unchanged base first): chr21-45531988-GCCA-G. GRCh37 (hg19) VCF-style: chr21-46951902-GCCA-G.
Other names: c.347_349del, p.Val116del (NM_001205206.4, NM_001352511.3, NM_001352512.2); c.227_229del, p.Val76del (NM_001205207.3); c.-8_-6del (NM_001352510.2); short protein forms V76del, V116del.
Identifiers: ClinVar variation 3663445 (VCV003663445.2).